The following is an entry in ClinVar:

ClinVar aggregate classification (germline): Uncertain significance (1 of 4 stars; one submission).

gnomAD v4.1: 13 of 1,614,174 alleles (0.00081%); highest among the groups gnomAD compares: Admixed American, 0.0067%; no homozygotes.

Submission:

Labcorp Genetics (formerly Invitae), Labcorp
Classification: Uncertain significance. Last evaluated: 2024-02-26. Review status: criteria provided, single submitter. Criteria: Invitae Variant Classification Sherloc (09022015). Collection method: clinical testing. Allele origin: germline.
Comment: This sequence change replaces asparagine, which is neutral and polar, with serine, which is neutral and polar, at codon 1106 of the CACNA1D protein (p.Asn1106Ser). This variant is present in population databases (rs780543741, gnomAD 0.01%). This variant has not been reported in the literature in individuals affected with CACNA1D-related conditions. Advanced modeling of protein sequence and biophysical properties (such as structural, functional, and spatial information, amino acid conservation, physicochemical variation, residue mobility, and thermodynamic stability) performed at Invitae indicates that this missense variant is not expected to disrupt CACNA1D protein function with a negative predictive value of 80%. In summary, the available evidence is currently insufficient to determine the role of this variant in disease. Therefore, it has been classified as a Variant of Uncertain Significance.

NM_001128840.3(CACNA1D):c.3257A>G (p.Asn1086Ser)

Gene: CACNA1D (calcium voltage-gated channel subunit alpha1 D; plus strand). Cytogenetic location: 3p21.1.
Variant type: single nucleotide variant.
Coding change: c.3257A>G on transcript NM_001128840.3 (MANE Select); coding-DNA position 3257, A replaced by G.
Protein change: p.Asn1086Ser; replaces asparagine 1086 with serine.
Molecular consequence: missense variant.
Genome position (GRCh38, 1-based): chr3:53,747,391, A>G. VCF-style: chr3-53747391-A-G. GRCh37 (hg19) VCF-style: chr3-53781418-A-G.
Other names: c.3317A>G, p.Asn1106Ser (NM_000720.4); c.3257A>G, p.Asn1086Ser (NM_001128839.3); short protein forms N1086S, N1106S.
Identifiers: ClinVar variation 3708270 (VCV003708270.2).